The following is an entry in ClinVar:

NM_019892.6(INPP5E):c.861G>A (p.Ala287=)

Gene: INPP5E (inositol polyphosphate-5-phosphatase E; minus strand). Cytogenetic location: 9q34.3.
Variant type: single nucleotide variant.
Coding change: c.861G>A on transcript NM_019892.6 (MANE Select); coding-DNA position 861, G replaced by A.
Protein change: p.Ala287=; no amino-acid change (alanine 287 retained).
Molecular consequence: synonymous variant.
Genome position (GRCh38, 1-based): chr9:136,434,815, C>T on the plus strand (G>A on the coding strand, the complement: INPP5E is on the minus strand). VCF-style: chr9-136434815-C-T. GRCh37 (hg19) VCF-style: chr9-139329267-C-T.
Other names: c.861G>A (NM_019892.5); c.861G>A, p.Ala287= (NM_001318502.2).
Identifiers: ClinVar variation 1370279 (VCV001370279.7), dbSNP rs764869959, ClinGen allele CA5337049.

ClinVar aggregate classification (germline): Likely benign. Review status: criteria provided, multiple submitters, no conflicts (2 of 4 stars). 2 submissions from 2 submitters: Likely benign (2). Last evaluated 2025-04-19.

Conditions:
INPP5E-related disorder. Also called: INPP5E-related condition.
Joubert syndrome. Also called: Familial aplasia of the vermis; JOUBERT-BOLTSHAUSER SYNDROME. Identifiers: Orphanet 475, MedGen C5979921, MONDO:0018772.

Allele frequency attached by ClinVar (database versions not stated): ExAC 0.00001; gnomAD 0.00001; gnomAD exomes 0.00001; TOPMed 0.00002.

Submissions (2):

Labcorp Genetics (formerly Invitae), Labcorp
Classification: Likely benign for Joubert syndrome. Last evaluated: 2025-04-19. Review status: criteria provided, single submitter. Criteria: Invitae Variant Classification Sherloc (09022015). Collection method: clinical testing. Allele origin: germline.

PreventionGenetics, part of Exact Sciences
Classification: Likely benign for INPP5E-related condition. Last evaluated: 2024-12-12. Review status: criteria provided, single submitter. Criteria: ACMG Guidelines, 2015. Collection method: clinical testing. Allele origin: germline.
Comment: This variant is classified as likely benign based on ACMG/AMP sequence variant interpretation guidelines (Richards et al. 2015 PMID: 25741868, with internal and published modifications).